The following is an entry in ClinVar:

NM_006244.4(PPP2R5B):c.19C>T (p.Pro7Ser)

Gene: PPP2R5B (protein phosphatase 2 regulatory subunit B'beta; plus strand). Cytogenetic location: 11q13.1.
Variant type: single nucleotide variant.
Coding change: c.19C>T on transcript NM_006244.4 (MANE Select); coding-DNA position 19, C replaced by T.
Protein change: p.Pro7Ser; replaces proline 7 with serine.
Molecular consequence: missense variant.
Genome position (GRCh38, 1-based): chr11:64,925,753, C>T. VCF-style: chr11-64925753-C-T. GRCh37 (hg19) VCF-style: chr11-64693225-C-T.
Other names: short protein forms P7S.
Identifiers: ClinVar variation 2629548 (VCV002629548.1), dbSNP rs199949257, ClinGen allele CA6086695.

ClinVar aggregate classification (germline): Uncertain significance (1 of 4 stars; one submission).

Conditions:
PPP2R5B-related disorder. Also called: PPP2R5B-related condition.

Allele frequency attached by ClinVar (database versions not stated): 1000 Genomes Project 30x 0.00016.

Submission:

PreventionGenetics, part of Exact Sciences
Classification: Uncertain significance for PPP2R5B-related condition. Last evaluated: 2023-01-09. Review status: criteria provided, single submitter. Criteria: ACMG Guidelines, 2015. Collection method: clinical testing. Allele origin: germline.
Comment: The PPP2R5B c.19C>T variant is predicted to result in the amino acid substitution p.Pro7Ser. To our knowledge, this variant has not been reported in the literature. This variant is reported in 0.077% of alleles in individuals of East Asian descent in gnomAD, which is more common than expected for a disease gene with a dominant mode of inheritnace, as has been proposed for PPP2R5B. Although we suspect that this variant may be benign, at this time, the clinical significance is uncertain due to the absence of conclusive functional and genetic evidence.